The following is an entry in ClinVar:

NM_000548.5(TSC2):c.2158A>T (p.Lys720Ter)

Gene: TSC2 (TSC complex subunit 2; plus strand). Cytogenetic location: 16p13.3.
Variant type: single nucleotide variant.
Coding change: c.2158A>T on transcript NM_000548.5 (MANE Select); coding-DNA position 2158, A replaced by T.
Protein change: p.Lys720Ter; replaces lysine 720 with a stop codon.
Molecular consequence: nonsense.
Genome position (GRCh38, 1-based): chr16:2,072,301, A>T. VCF-style: chr16-2072301-A-T. GRCh37 (hg19) VCF-style: chr16-2122302-A-T.
Other names: c.2158A>T, p.Lys720Ter (NM_001077183.3, NM_001114382.3, NM_001363528.2 and 3 more transcripts); c.2047A>T, p.Lys683Ter (NM_001318827.2); c.2011A>T, p.Lys671Ter (NM_001318829.2); c.1558A>T, p.Lys520Ter (NM_001318831.2); c.2191A>T, p.Lys731Ter (NM_001318832.2); short protein forms K520*, K683*, K671*, K731*, K720*.
Identifiers: ClinVar variation 1458946 (VCV001458946.8), dbSNP rs1195091149, ClinGen allele CA394274863.

ClinVar aggregate classification (germline): Pathogenic (1 of 4 stars; one submission).

Conditions:
Tuberous sclerosis 2 (TSC2). Identifiers: Orphanet 805, MedGen C1860707, MONDO:0013199, OMIM 613254.

Submission:

Labcorp Genetics (formerly Invitae), Labcorp
Classification: Pathogenic for Tuberous sclerosis 2. Last evaluated: 2021-02-25. Review status: criteria provided, single submitter. Criteria: Invitae Variant Classification Sherloc (09022015). Collection method: clinical testing. Allele origin: germline.
Comment: For these reasons, this variant has been classified as Pathogenic. This sequence change creates a premature translational stop signal (p.Lys720*) in the TSC2 gene. It is expected to result in an absent or disrupted protein product. Loss-of-function variants in TSC2 are known to be pathogenic (PMID: 10205261, 17304050). This variant has been observed in individual(s) with clinical features of tuberous sclerosis complex (PMID: 19254590). This variant is not present in population databases (ExAC no frequency).

Literature cited by the submitters: PubMed 10205261; PubMed 17304050; PubMed 19254590.